The following is an entry in ClinVar:

ClinVar aggregate classification (germline): Uncertain significance. Review status: criteria provided, multiple submitters, no conflicts (2 of 4 stars). 2 submissions from 2 submitters: Uncertain significance (2). Last evaluated 2025-10-16.

Conditions:
Generalized epilepsy-paroxysmal dyskinesia syndrome (PNKD3). Also called: Generalized epilepsy and paroxysmal dyskinesia; Paroxysmal nonkinesigenic dyskinesia, 3, with or without generalized epilepsy. Identifiers: Orphanet 79137, MedGen C5574945, MONDO:0012276, OMIM 609446.

gnomAD v4.1: 1 of 1,613,992 alleles (0.000062%); highest among the groups gnomAD compares: Non-Finnish European, 0.000085%; no homozygotes.

Submissions (2):

GeneDx
Classification: Uncertain significance. Last evaluated: 2025-10-16. Review status: criteria provided, single submitter. Criteria: GeneDx Variant Classification Process June 2021. Collection method: clinical testing. Allele origin: germline.
Comment: Not observed at significant frequency in large population cohorts (gnomAD); In silico analysis suggests that this missense variant does not alter protein structure/function; Has not been previously published as pathogenic or benign to our knowledge

Labcorp Genetics (formerly Invitae), Labcorp
Classification: Uncertain significance for Generalized epilepsy-paroxysmal dyskinesia syndrome. Last evaluated: 2023-11-27. Review status: criteria provided, single submitter. Criteria: Invitae Variant Classification Sherloc (09022015). Collection method: clinical testing. Allele origin: germline.
Comment: This sequence change replaces methionine, which is neutral and non-polar, with leucine, which is neutral and non-polar, at codon 369 of the KCNMA1 protein (p.Met369Leu). This variant is not present in population databases (gnomAD no frequency). This variant has not been reported in the literature in individuals affected with KCNMA1-related conditions. ClinVar contains an entry for this variant (Variation ID: 1510824). Advanced modeling of protein sequence and biophysical properties (such as structural, functional, and spatial information, amino acid conservation, physicochemical variation, residue mobility, and thermodynamic stability) performed at Invitae indicates that this missense variant is not expected to disrupt KCNMA1 protein function with a negative predictive value of 80%. In summary, the available evidence is currently insufficient to determine the role of this variant in disease. Therefore, it has been classified as a Variant of Uncertain Significance.

NM_001161352.2(KCNMA1):c.1105A>T (p.Met369Leu)

Gene: KCNMA1 (potassium calcium-activated channel subfamily M alpha 1; minus strand). Cytogenetic location: 10q22.3.
Variant type: single nucleotide variant.
Coding change: c.1105A>T on transcript NM_001161352.2 (MANE Select); coding-DNA position 1105, A replaced by T.
Protein change: p.Met369Leu; replaces methionine 369 with leucine.
Molecular consequence: missense variant.
Genome position (GRCh38, 1-based): chr10:77,110,199, T>A on the plus strand (A>T on the coding strand, the complement: KCNMA1 is on the minus strand). VCF-style: chr10-77110199-T-A. GRCh37 (hg19) VCF-style: chr10-78869957-T-A.
Other names: c.1105A>T, p.Met369Leu (NM_001014797.3, NM_001161353.2, NM_001271519.2 and 7 more transcripts); c.943A>T, p.Met315Leu (NM_001271518.2); c.1105A>T (NM_002247.3); c.565A>T, p.Met189Leu (NM_001322838.2); short protein forms M189L, M315L, M369L.
Identifiers: ClinVar variation 1510824 (VCV001510824.10), dbSNP rs2153875624, ClinGen allele CA377409044.
Genomic context (GRCh38, chr10:77,110,199, plus strand): 5'-CAAAATCAACATCATAATAAAGATTTTTTTTTACCAGTCCCCCGAGGATGAAGAAGACCA[T>A]GAAGAGGCGCCCAAGTGTGGTTTTTGCATAAACATCCCCATAACCAACGGTGGACATTGT-3'
Protein context (NP_001154824.1, residues 359-379): YAKTTLGRLF[Met369Leu]VFFILGGLAM